The following is an entry in ClinVar:

NM_130468.4(CHST14):c.310G>A (p.Val104Met)

Gene: CHST14 (carbohydrate sulfotransferase 14; plus strand). Cytogenetic location: 15q15.1.
Variant type: single nucleotide variant.
Coding change: c.310G>A on transcript NM_130468.4 (MANE Select); coding-DNA position 310, G replaced by A.
Protein change: p.Val104Met; replaces valine 104 with methionine.
Molecular consequence: missense variant.
Genome position (GRCh38, 1-based): chr15:40,471,523, G>A. VCF-style: chr15-40471523-G-A. GRCh37 (hg19) VCF-style: chr15-40763722-G-A.
Other names: p.Val104Met; short protein forms V104M.
Identifiers: ClinVar variation 393005 (VCV000393005.9), dbSNP rs775525832, ClinGen allele CA7481579.
Genomic context (GRCh38, chr15:40,471,523, plus strand): 5'-CGCGGGAAAGCCCCCAAGCCTGGGGGCCTGTCCCTCAGGGCTGGGGACGCGGACTTGCAA[G>A]TGCGGCAGGACGTCCGGAACAGGACCCTGCGGGCGGTGTGCGGACAGCCAGGCATGCCCC-3'
Protein context (NP_569735.1, residues 94-114): SLRAGDADLQ[Val104Met]RQDVRNRTLR

ClinVar aggregate classification (germline): Uncertain significance. Review status: criteria provided, multiple submitters, no conflicts (2 of 4 stars). 3 submissions from 3 submitters: Uncertain significance (3). Last evaluated 2025-08-04.

Conditions:
Cardiovascular phenotype. Identifiers: MedGen CN230736.

Allele frequency attached by ClinVar (database versions not stated): gnomAD 0.00001; gnomAD exomes 0.00001 and 0.00003; TOPMed 0.00001; ExAC 0.00005.
gnomAD v4.1: 20 of 1,600,914 alleles (0.0012%); highest among the groups gnomAD compares: Middle Eastern, 0.033%; no homozygotes.

Submissions (3):

Ambry Genetics
Classification: Uncertain significance for Cardiovascular phenotype. Last evaluated: 2025-08-04. Review status: criteria provided, single submitter. Criteria: Ambry Variant Classification Scheme 2023. Collection method: clinical testing. Allele origin: germline.
Comment: The p.V104M variant (also known as c.310G>A), located in coding exon 1 of the CHST14 gene, results from a G to A substitution at nucleotide position 310. The valine at codon 104 is replaced by methionine, an amino acid with highly similar properties. This amino acid position is well conserved in available vertebrate species. In addition, the in silico prediction for this alteration is inconclusive. Based on the available evidence, the clinical significance of this variant remains unclear.

Mayo Clinic Laboratories, Mayo Clinic
Classification: Uncertain significance. Last evaluated: 2021-12-06. Review status: criteria provided, single submitter. Criteria: ACMG Guidelines, 2015. Collection method: clinical testing. Allele origin: germline.

GeneDx
Classification: Uncertain significance. Last evaluated: 2019-07-03. Review status: criteria provided, single submitter. Criteria: GeneDx Variant Classification Process June 2021. Collection method: clinical testing. Allele origin: germline. Affected: yes.
Comment: Not observed at a significant frequency in large population cohorts (Lek et al., 2016); In silico analysis, which includes protein predictors and evolutionary conservation, supports that this variant does not alter protein structure/function; Has not been previously published as pathogenic or benign to our knowledge